The following is an entry in ClinVar:

ClinVar aggregate classification (germline): Uncertain significance. Review status: criteria provided, multiple submitters, no conflicts (2 of 4 stars). 2 submissions from 2 submitters: Uncertain significance (2). Last evaluated 2026-03-05.

Conditions:
Hereditary cancer-predisposing syndrome. Also called: Hereditary Cancer Syndrome; Hereditary neoplastic syndrome; Neoplastic Syndromes, Hereditary; Tumor predisposition. Identifiers: Orphanet 140162, MedGen C0027672, MeSH D009386, MONDO:0015356.

Submissions (2):

GeneDx
Classification: Uncertain significance. Last evaluated: 2026-03-05. Review status: criteria provided, single submitter. Criteria: GeneDx Variant Classification Process June 2021. Collection method: clinical testing. Allele origin: germline.
Comment: Not observed at significant frequency in large population cohorts (gnomAD); In silico analysis suggests that this missense variant does not alter protein structure/function; Has not been previously published as pathogenic or benign to our knowledge; This variant is associated with the following publications: (PMID: 24311597)

Ambry Genetics
Classification: Uncertain significance for Hereditary cancer-predisposing syndrome. Last evaluated: 2025-08-19. Review status: criteria provided, single submitter. Criteria: Ambry Variant Classification Scheme 2023. Collection method: clinical testing. Allele origin: germline.
Comment: The p.Q217H variant (also known as c.651G>C), located in coding exon 5 of the SUFU gene, results from a G to C substitution at nucleotide position 651. The glutamine at codon 217 is replaced by histidine, an amino acid with highly similar properties. This amino acid position is conserved. In addition, the in silico prediction for this alteration is inconclusive. Based on the available evidence, the clinical significance of this variant remains unclear.

NM_016169.4(SUFU):c.651G>C (p.Gln217His)

Gene: SUFU (SUFU negative regulator of hedgehog signaling; plus strand). Cytogenetic location: 10q24.32.
Variant type: single nucleotide variant.
Coding change: c.651G>C on transcript NM_016169.4 (MANE Select); coding-DNA position 651, G replaced by C.
Protein change: p.Gln217His; replaces glutamine 217 with histidine.
Molecular consequence: missense variant.
Genome position (GRCh38, 1-based): chr10:102,593,689, G>C. VCF-style: chr10-102593689-G-C. GRCh37 (hg19) VCF-style: chr10-104353446-G-C.
Other names: c.651G>C, p.Gln217His (NM_001178133.2); short protein forms Q217H.
Identifiers: ClinVar variation 4177550 (VCV004177550.2).